The following is an entry in ClinVar:

NM_003737.4(DCHS1):c.6416G>A (p.Arg2139Gln)

Gene: DCHS1 (dachsous cadherin-related 1; minus strand). Cytogenetic location: 11p15.4.
Variant type: single nucleotide variant.
Coding change: c.6416G>A on transcript NM_003737.4 (MANE Select); coding-DNA position 6416, G replaced by A.
Protein change: p.Arg2139Gln; replaces arginine 2139 with glutamine.
Molecular consequence: missense variant.
Genome position (GRCh38, 1-based): chr11:6,626,329, C>T on the plus strand (G>A on the coding strand, the complement: DCHS1 is on the minus strand). VCF-style: chr11-6626329-C-T. GRCh37 (hg19) VCF-style: chr11-6647560-C-T.
Other names: short protein forms R2139Q.
Identifiers: ClinVar variation 2721442 (VCV002721442.3), dbSNP rs751152661, ClinGen allele CA5859861.

ClinVar aggregate classification (germline): Uncertain significance (1 of 4 stars; one submission).

Allele frequency attached by ClinVar (database versions not stated): gnomAD exomes 0.00003; gnomAD 0.00003; ExAC 0.00004; TOPMed 0.00002.
gnomAD v4.1: 45 of 1,613,472 alleles (0.0028%); highest among the groups gnomAD compares: Middle Eastern, 0.033%; no homozygotes.

Submission:

Labcorp Genetics (formerly Invitae), Labcorp
Classification: Uncertain significance. Last evaluated: 2025-03-26. Review status: criteria provided, single submitter. Criteria: Invitae Variant Classification Sherloc (09022015). Collection method: clinical testing. Allele origin: germline.
Comment: This sequence change replaces arginine, which is basic and polar, with glutamine, which is neutral and polar, at codon 2139 of the DCHS1 protein (p.Arg2139Gln). This variant is present in population databases (rs751152661, gnomAD 0.005%). This variant has not been reported in the literature in individuals affected with DCHS1-related conditions. ClinVar contains an entry for this variant (Variation ID: 2721442). Invitae Evidence Modeling of protein sequence and biophysical properties (such as structural, functional, and spatial information, amino acid conservation, physicochemical variation, residue mobility, and thermodynamic stability) indicates that this missense variant is not expected to disrupt DCHS1 protein function with a negative predictive value of 80%. In summary, the available evidence is currently insufficient to determine the role of this variant in disease. Therefore, it has been classified as a Variant of Uncertain Significance.